The following is an entry in ClinVar:

NM_000136.3(FANCC):c.293_296del (p.Ile98fs)

Gene: FANCC (FA complementation group C; minus strand). Cytogenetic location: 9q22.32.
Variant type: Deletion.
Coding change: c.293_296del on transcript NM_000136.3 (MANE Select); coding-DNA positions 293 to 296, 4 bases deleted (TTAA; older notation c.293_296delTTAA).
Protein change: p.Ile98fs; shifts the reading frame from isoleucine 98.
Molecular consequence: frameshift variant.
Genome position (GRCh38, 1-based): chr9:95,240,698-95,240,701, TTAA deleted on the plus strand (TTAA on the coding strand, the reverse complement: FANCC is on the minus strand); deleting any 4 consecutive bases within chr9:95,240,698-95,240,704 gives the same sequence; the c. name uses the placement nearest the transcript's 3' end. VCF-style (leftmost placement, unchanged base first): chr9-95240697-GTTAA-G. GRCh37 (hg19) VCF-style: chr9-98002979-GTTAA-G.
Other names: c.293_296delTTAA (NM_000136.2); c.293_296del, p.Ile98fs (NM_001243743.2, NM_001243744.2); short protein forms I98fs.
Identifiers: ClinVar variation 1425329 (VCV001425329.7), dbSNP rs754779102, ClinGen allele CA5137781.
Genomic context (GRCh38, chr9:95,240,697, plus strand): 5'-TTACTCTCTTACCTGTATCCAGGAGTTAAGTTTTGATTGTCCAGAATTCTGTGGTTCTTT[GTTAA>G]TTAGACAACATAAGCACCATATTAGAATTTTTTGGCTTTCATCTACAAAAAGGAAAACTT-3'

ClinVar aggregate classification (germline): Pathogenic/Likely pathogenic. Review status: criteria provided, multiple submitters, no conflicts (2 of 4 stars). 2 submissions from 2 submitters: Pathogenic (1); Likely pathogenic (1). Last evaluated 2025-11-18.

Conditions:
Fanconi anemia (FA). Also called: Fanconi's anemia. Identifiers: Orphanet 84, MedGen C0015625, MeSH D005199, MONDO:0019391.

Submissions (2):

Natera, Inc.
Classification: Likely pathogenic for Fanconi anemia. Last evaluated: 2025-11-18. Review status: criteria provided, single submitter. Criteria: Natera Variant Classification Schema (03/2026). Collection method: clinical testing. Allele origin: germline.
Comment: The c.293_296delTTAA variant in FANCC is a frameshift variant predicted to shift the reading frame beginning at codon 98 and leads to a stop codon 45 codons downstream. This variant is expected to result in nonsense mediated decay, truncation, or a dysfunctional protein product. This variant is rare in the general population with a frequency below the threshold expected for the associated phenotype(s). Given the available evidence, this variant is classified as Likely Pathogenic.

Labcorp Genetics (formerly Invitae), Labcorp
Classification: Pathogenic for Fanconi anemia. Last evaluated: 2023-02-19. Review status: criteria provided, single submitter. Criteria: Invitae Variant Classification Sherloc (09022015). Collection method: clinical testing. Allele origin: germline.
Comment: For these reasons, this variant has been classified as Pathogenic. ClinVar contains an entry for this variant (Variation ID: 1425329). This variant has not been reported in the literature in individuals affected with FANCC-related conditions. This variant is present in population databases (rs754779102, gnomAD 0.0009%). This sequence change creates a premature translational stop signal (p.Ile98Thrfs*45) in the FANCC gene. It is expected to result in an absent or disrupted protein product. Loss-of-function variants in FANCC are known to be pathogenic (PMID: 17924555).

Literature cited by the submitters: PubMed 17924555 (cited by Labcorp Genetics (formerly Invitae), Labcorp).